The following is an entry in ClinVar:

ClinVar aggregate classification (germline): Uncertain significance. Review status: criteria provided, multiple submitters, no conflicts (2 of 4 stars). 2 submissions from 2 submitters: Uncertain significance (2). Last evaluated 2021-11-03.

Conditions:
Autosomal recessive polycystic kidney disease (ARPKD). Also called: AR polycystic kidney disease. Identifiers: Orphanet 731, Orphanet 8378, MedGen C0085548, MeSH D017044, MONDO:0009889.

Allele frequency attached by ClinVar (database versions not stated): ExAC 0.00001; gnomAD exomes 0.00001.
gnomAD v4.1: 3 of 1,613,314 alleles (0.00019%); highest among the groups gnomAD compares: Admixed American, 0.005%; no homozygotes.

Submissions (2):

Labcorp Genetics (formerly Invitae), Labcorp
Classification: Uncertain significance for Autosomal recessive polycystic kidney disease. Last evaluated: 2021-11-03. Review status: criteria provided, single submitter. Criteria: Invitae Variant Classification Sherloc (09022015). Collection method: clinical testing. Allele origin: germline.
Comment: This sequence change replaces histidine, which is basic and polar, with leucine, which is neutral and non-polar, at codon 2572 of the PKHD1 protein (p.His2572Leu). This variant is present in population databases (rs765237487, gnomAD 0.006%). This variant has not been reported in the literature in individuals affected with PKHD1-related conditions. ClinVar contains an entry for this variant (Variation ID: 594983). Advanced modeling of protein sequence and biophysical properties (such as structural, functional, and spatial information, amino acid conservation, physicochemical variation, residue mobility, and thermodynamic stability) performed at Invitae indicates that this missense variant is expected to disrupt PKHD1 protein function. In summary, the available evidence is currently insufficient to determine the role of this variant in disease. Therefore, it has been classified as a Variant of Uncertain Significance.

Eurofins Ntd Llc (ga)
Classification: Uncertain significance. Last evaluated: 2017-11-10. Review status: criteria provided, single submitter. Criteria: EGL Classification Definitions 2015. Collection method: clinical testing. Allele origin: germline. Observed: 1 variant allele, 1 heterozygote.

NM_138694.4(PKHD1):c.7715A>T (p.His2572Leu)

Gene: PKHD1 (PKHD1 ciliary IPT domain containing fibrocystin/polyductin; minus strand). Cytogenetic location: 6p12.2.
Variant type: single nucleotide variant.
Coding change: c.7715A>T on transcript NM_138694.4 (MANE Select); coding-DNA position 7715, A replaced by T.
Protein change: p.His2572Leu; replaces histidine 2572 with leucine.
Molecular consequence: missense variant.
Genome position (GRCh38, 1-based): chr6:51,867,881, T>A on the plus strand (A>T on the coding strand, the complement: PKHD1 is on the minus strand). VCF-style: chr6-51867881-T-A. GRCh37 (hg19) VCF-style: chr6-51732679-T-A.
Other names: c.7715A>T, p.His2572Leu (NM_170724.3); short protein forms H2572L.
Identifiers: ClinVar variation 594983 (VCV000594983.7), dbSNP rs765237487, ClinGen allele CA3851872.